The following is an entry in ClinVar:

ClinVar aggregate classification (germline): Uncertain significance. Review status: criteria provided, multiple submitters, no conflicts (2 of 4 stars). 3 submissions from 3 submitters: Uncertain significance (3). Last evaluated 2023-10-12.

Conditions:
Cardiovascular phenotype. Identifiers: MedGen CN230736.
Long QT syndrome (LQTS). Identifiers: MedGen C0023976, MeSH D008133, MONDO:0002442. Disease mechanism: loss of function. Inheritance: Various modes of inheritance.
Long QT syndrome 1 (LQT1). Identifiers: Orphanet 101016, Orphanet 768, MedGen C4551647, MONDO:0100316, OMIM 192500, MONDO:0008646.

Submissions (3):

Labcorp Genetics (formerly Invitae), Labcorp
Classification: Uncertain significance for Long QT syndrome. Last evaluated: 2023-10-12. Review status: criteria provided, single submitter. Criteria: Invitae Variant Classification Sherloc (09022015). Collection method: clinical testing. Allele origin: germline.
Comment: This variant, c.1470_1475dup, results in the insertion of 2 amino acid(s) of the KCNQ1 protein (p.Asp490_Leu491dup), but otherwise preserves the integrity of the reading frame. This variant is present in population databases (no rsID available, gnomAD 0.007%). This variant has not been reported in the literature in individuals affected with KCNQ1-related conditions. ClinVar contains an entry for this variant (Variation ID: 992773). Experimental studies and prediction algorithms are not available or were not evaluated, and the functional significance of this variant is currently unknown. In summary, the available evidence is currently insufficient to determine the role of this variant in disease. Therefore, it has been classified as a Variant of Uncertain Significance.

New York Genome Center
Classification: Uncertain significance for Long QT syndrome 1. Last evaluated: 2021-12-01. Review status: criteria provided, single submitter. Criteria: NYGC Assertion Criteria 2020. Collection method: clinical testing. Allele origin: inherited. Affected: yes. Observed: 1 heterozygote. Study: CSER-NYCKidSeq.
Comment: The inherited c.1470_1475dup (p.Asp490_Leu491dup) variant identified in the KCNQ1 gene is an in frame insertion of 2 amino acids at amino acid 490/677 (coding exon 11/16). This variant does not alter the reading frame of the protein, but inserts two amino acids within the Carboxyl-terminus region of KCNQ1 which is important for many of the biological processes of the channel, and where many other pathogenic variants have been identified [PMID: 17470695]. This variant is found with low frequency in gnomAD (1 heterozygote, 0 homozygotes; allele frequency: 3.98e-6) and is absent from ExAC, suggesting this is not a common benign variant in the populations represented in these databases. The c.1470_1475dup (p.Asp490_Leu491dup) variant is absent from ClinVar and has not currently been reported in the literature. Given the lack of compelling evidence for its pathogenicity, the c.1470_1475dup (p.Asp490_Leu491dup) variant in KCNQ1 is reported here as a Variant of Uncertain Significance.

Ambry Genetics
Classification: Uncertain significance for Cardiovascular phenotype. Last evaluated: 2018-03-12. Review status: criteria provided, single submitter. Criteria: Ambry Variant Classification Scheme 2023. Collection method: clinical testing. Allele origin: germline.
Comment: The c.1470_1475dupCCTGGA variant (also known as p.D490_L491dup), located in coding exon 11 of the KCNQ1 gene. This variant results from an in-frame duplication of CCTGGA at nucleotide positions 1470 to 1475. This results in the insertion of 2 amino acids (DL) between codons 490 and 491. Since supporting evidence is limited at this time, the clinical significance of this alteration remains unclear.

NM_000218.3(KCNQ1):c.1464CCTGGA[3] (p.Leu491_Glu492insAspLeu)

Genes: KCNQ1 (potassium voltage-gated channel subfamily Q member 1; plus strand), KCNQ1OT1 (KCNQ1 opposite strand/antisense transcript 1; minus strand). Cytogenetic location: 11p15.5.
Variant type: Microsatellite.
Coding change: c.1464CCTGGA[3] on transcript NM_000218.3 (MANE Select); three copies in a row of the 6-base unit CCTGGA starting at c.1464; the reference has two copies in a row; one copy, 6 bases duplicated; also written c.1470_1475dup.
Protein change: p.Leu491_Glu492insAspLeu.
Molecular consequence: inframe insertion. On other transcripts: inframe indel (2).
Genome position (GRCh38, 1-based): chr11:2,662,037-2,662,042, CCTGGA duplicated; duplicating any 6 consecutive bases within chr11:2,662,028-2,662,042 gives the same sequence; the position shown is the placement nearest the transcript's 3' end. VCF-style (leftmost placement, unchanged base first): chr11-2662027-A-AGGACCT. GRCh37 (hg19) VCF-style: chr11-2683257-A-AGGACCT.
Other names: c.1194CCTGGA[3], p.Leu401_Glu402insAspLeu (NM_001406837.1); c.924CCTGGA[3], p.Leu311_Glu312insAspLeu (NM_001406838.1); c.1368CCTGGA[3], p.Leu459_Glu460insAspLeu (NM_001406836.1); c.1083CCTGGA[3], p.Leu364_Glu365insAspLeu (NM_181798.2); c.1470_1475dup (NM_000218.2); c.1470_1475dupCCTGGA (NM_000218.2).
Identifiers: ClinVar variation 992773 (VCV000992773.12), dbSNP rs1254052516, ClinGen allele CA597443115.